The following is an entry in ClinVar:

ClinVar aggregate classification (germline): Pathogenic (1 of 4 stars; one submission).

Conditions:
Multiple acyl-CoA dehydrogenase deficiency (MADD). Also called: Glutaric Acidemia type 2; ETHYLMALONIC-ADIPICACIDURIA; GA II; Glutaric aciduria, type 2; Glutaric acidemia type II; GA 2. Identifiers: Orphanet 26791, MedGen C0268596, MONDO:0009282, OMIM 231680.

Allele frequency attached by ClinVar (database versions not stated): gnomAD exomes 0.00001; ExAC 0.00002.

Submission:

Labcorp Genetics (formerly Invitae), Labcorp
Classification: Pathogenic for Multiple acyl-CoA dehydrogenase deficiency. Last evaluated: 2024-11-13. Review status: criteria provided, single submitter. Criteria: Invitae Variant Classification Sherloc (09022015). Collection method: clinical testing. Allele origin: germline.
Comment: This sequence change results in a frameshift in the ETFDH gene (p.Asp593Glufs*46). While this is not anticipated to result in nonsense mediated decay, it is expected to disrupt the last 25 amino acid(s) of the ETFDH protein and extend the protein by 20 additional amino acid residues. This variant is present in population databases (rs760806279, gnomAD 0.002%). This variant has not been reported in the literature in individuals affected with ETFDH-related conditions. ClinVar contains an entry for this variant (Variation ID: 3003971). This variant disrupts a region of the ETFDH protein in which other variant(s) (p.Gly611Glu) have been determined to be pathogenic (PMID: 12359134, 20138856; internal data). This suggests that this is a clinically significant region of the protein, and that variants that disrupt it are likely to be disease-causing. For these reasons, this variant has been classified as Pathogenic.

Literature cited by the submitters: PubMed 12359134; PubMed 20138856.

NM_004453.4(ETFDH):c.1779del (p.Asp593fs)

Gene: ETFDH (electron transfer flavoprotein dehydrogenase; plus strand). Cytogenetic location: 4q32.1.
Variant type: Deletion.
Coding change: c.1779del on transcript NM_004453.4 (MANE Select); coding-DNA position 1779, one base deleted (T; older notation c.1779delT).
Protein change: p.Asp593fs; shifts the reading frame from aspartic acid 593.
Molecular consequence: frameshift variant.
Genome position (GRCh38, 1-based): chr4:158,708,452, T deleted. VCF-style (leftmost placement, unchanged base first): chr4-158708451-AT-A. GRCh37 (hg19) VCF-style: chr4-159629603-AT-A.
Other names: c.1638del, p.Asp546fs (NM_001281737.2); c.1596del, p.Asp532fs (NM_001281738.1); short protein forms D546fs, D593fs, D532fs.
Identifiers: ClinVar variation 3003971 (VCV003003971.3), dbSNP rs760806279, ClinGen allele CA3122722.